The following is an entry in ClinVar:

NM_002470.4(MYH3):c.782C>T (p.Ser261Phe)

Gene: MYH3 (myosin heavy chain 3; minus strand). Cytogenetic location: 17p13.1.
Variant type: single nucleotide variant.
Coding change: c.782C>T on transcript NM_002470.4 (MANE Select); coding-DNA position 782, C replaced by T.
Protein change: p.Ser261Phe; replaces serine 261 with phenylalanine.
Molecular consequence: missense variant.
Genome position (GRCh38, 1-based): chr17:10,647,380, G>A on the plus strand (C>T on the coding strand, the complement: MYH3 is on the minus strand). VCF-style: chr17-10647380-G-A. GRCh37 (hg19) VCF-style: chr17-10550697-G-A.
Other names: short protein forms S261F.
Identifiers: ClinVar variation 694358 (VCV000694358.1), dbSNP rs1597490381, ClinGen allele CA398178272.

ClinVar aggregate classification (germline): Likely pathogenic (1 of 4 stars; one submission).

Conditions:
Arthrogryposis, distal, type 2B3. Also called: Arthrogryposis, distal, type 2B3 (Sheldon-Hall). Identifiers: MedGen C5193098, MONDO:0032751, OMIM 618436.

Submission:

SIB Swiss Institute of Bioinformatics
Classification: Likely pathogenic for Arthrogryposis, distal, type 2B3. Last evaluated: 2019-08-21. Review status: criteria provided, single submitter. Criteria: ACMG Guidelines, 2015. Collection method: curation. Allele origin: unknown.
Comment: This variant is interpreted as a Likely pathogenic for Arthrogryposis, distal, 2B3, autosomal dominant. The following ACMG Tag(s) were applied: PM2, PP3, PM1, PM6.

Literature cited by the submitters: PubMed 16642020.